The following is an entry in ClinVar:

NM_006766.5(KAT6A):c.600+5G>T

Gene: KAT6A (lysine acetyltransferase 6A; minus strand). Cytogenetic location: 8p11.21.
Variant type: single nucleotide variant.
Coding change: c.600+5G>T on transcript NM_006766.5 (MANE Select); 5 bases into the intron after coding-DNA position 600, G replaced by T.
Molecular consequence: intron variant.
Genome position (GRCh38, 1-based): chr8:42,048,373, C>A on the plus strand (G>T on the coding strand, the complement: KAT6A is on the minus strand). VCF-style: chr8-42048373-C-A. GRCh37 (hg19) VCF-style: chr8-41905891-C-A.
Other names: c.600+5G>T (NM_001305878.2).
Identifiers: ClinVar variation 716531 (VCV000716531.16), dbSNP rs138578452, ClinGen allele CA4730400.

ClinVar aggregate classification (germline): Benign/Likely benign. Review status: criteria provided, multiple submitters, no conflicts (2 of 4 stars). 5 submissions from 5 submitters: Benign (3); Likely benign (1). 1 of the submissions does not count toward it. Last evaluated 2026-01-18.

Conditions:
KAT6A-related disorder. Also called: KAT6A-related condition.
Inborn genetic diseases. Identifiers: MedGen C0950123, MeSH D030342.
Autosomal dominant intellectual disability-craniofacial anomalies-cardiac defects syndrome (ARTHS). Also called: Mental retardation, autosomal dominant 32; KAT6A syndrome; Arboleda-Tham syndrome. Identifiers: Orphanet 457193, MedGen C4225396, MONDO:0014558, OMIM 616268.

Allele frequency attached by ClinVar (database versions not stated): gnomAD 0.00014 and 0.00015; gnomAD exomes 0.00015 and 0.00041; TOPMed 0.00034; ExAC 0.00040; 1000 Genomes Project 30x 0.00078; 1000 Genomes Project 0.00100.
gnomAD v4.1: 288 of 1,612,634 alleles (0.018%); highest among the groups gnomAD compares: East Asian, 0.51%; no homozygotes.

Submissions (7):

Labcorp Genetics (formerly Invitae), Labcorp
Classification: Benign. Last evaluated: 2026-01-18. Review status: criteria provided, single submitter. Criteria: Invitae Variant Classification Sherloc (09022015). Collection method: clinical testing. Allele origin: germline.

Fulgent Genetics
Classification: Likely benign for Autosomal dominant intellectual disability-craniofacial anomalies-cardiac defects syndrome. Last evaluated: 2021-08-20. Review status: criteria provided, single submitter. Criteria: ACMG Guidelines, 2015. Collection method: clinical testing. Allele origin: unknown.

GeneDx
Classification: Benign. Last evaluated: 2020-03-13. Review status: criteria provided, single submitter. Criteria: GeneDx Variant Classification Process June 2021. Collection method: clinical testing. Allele origin: germline. Affected: yes.

Ambry Genetics
Classification: Benign for Inborn genetic diseases. Last evaluated: 2018-11-20. Review status: criteria provided, single submitter. Criteria: Ambry Variant Classification Scheme 2023. Collection method: clinical testing. Allele origin: germline.

PreventionGenetics, part of Exact Sciences
Classification: Likely benign for KAT6A-related condition. Last evaluated: 2024-04-18. Review status: no assertion criteria provided. Collection method: clinical testing. Allele origin: germline. Not counted in ClinVar's aggregate classification.
Comment: This variant is classified as likely benign based on ACMG/AMP sequence variant interpretation guidelines (Richards et al. 2015 PMID: 25741868, with internal and published modifications).

Dr. Peter K. Rogan Lab, Western University
No classification provided (evidence only). Condition: Gastric cancer. Review status: no classification provided. Collection method: in vitro. Allele origin: not applicable. Functional consequence: retained intron. Not counted in ClinVar's aggregate classification.

Dr. Peter K. Rogan Lab, Western University
No classification provided (evidence only). Condition: Malignant tumor of esophagus. Review status: no classification provided. Collection method: in vitro. Allele origin: not applicable. Functional consequence: retained intron. Not counted in ClinVar's aggregate classification.